The following is an entry in ClinVar:

NM_152305.3(POGLUT1):c.659C>T (p.Pro220Leu)

Gene: POGLUT1 (protein O-glucosyltransferase 1; plus strand). Cytogenetic location: 3q13.33.
Variant type: single nucleotide variant.
Coding change: c.659C>T on transcript NM_152305.3 (MANE Select); coding-DNA position 659, C replaced by T.
Protein change: p.Pro220Leu; replaces proline 220 with leucine.
Molecular consequence: missense variant. On other transcripts: non-coding transcript variant (1).
Genome position (GRCh38, 1-based): chr3:119,486,853, C>T. VCF-style: chr3-119486853-C-T. GRCh37 (hg19) VCF-style: chr3-119205700-C-T.
Other names: c.659C>T, p.Pro220Leu (NM_020231.3); short protein forms P220L.
Identifiers: ClinVar variation 2055798 (VCV002055798.5), dbSNP rs758701006, ClinGen allele CA2554940.

ClinVar aggregate classification (germline): Uncertain significance. Review status: criteria provided, multiple submitters, no conflicts (2 of 4 stars). 2 submissions from 2 submitters: Uncertain significance (2). Last evaluated 2025-06-15.

Conditions:
Inborn genetic diseases. Identifiers: MedGen C0950123, MeSH D030342.

Allele frequency attached by ClinVar (database versions not stated): ExAC 0.00001; gnomAD 0.00002; TOPMed 0.00002; gnomAD exomes 0.00006.
gnomAD v4.1: 83 of 1,610,758 alleles (0.0052%); highest among the groups gnomAD compares: Non-Finnish European, 0.0071%; no homozygotes.

Submissions (2):

Labcorp Genetics (formerly Invitae), Labcorp
Classification: Uncertain significance. Last evaluated: 2025-06-15. Review status: criteria provided, single submitter. Criteria: Invitae Variant Classification Sherloc (09022015). Collection method: clinical testing. Allele origin: germline.
Comment: This sequence change replaces proline, which is neutral and non-polar, with leucine, which is neutral and non-polar, at codon 220 of the POGLUT1 protein (p.Pro220Leu). This variant is present in population databases (rs758701006, gnomAD 0.003%). This variant has not been reported in the literature in individuals affected with POGLUT1-related conditions. ClinVar contains an entry for this variant (Variation ID: 2055798). Invitae Evidence Modeling of protein sequence and biophysical properties (such as structural, functional, and spatial information, amino acid conservation, physicochemical variation, residue mobility, and thermodynamic stability) has been performed for this missense variant. However, the output from this modeling did not meet the statistical confidence thresholds required to predict the impact of this variant on POGLUT1 protein function. In summary, the available evidence is currently insufficient to determine the role of this variant in disease. Therefore, it has been classified as a Variant of Uncertain Significance.

Ambry Genetics
Classification: Uncertain significance for Inborn genetic diseases. Last evaluated: 2021-08-02. Review status: criteria provided, single submitter. Criteria: Ambry Variant Classification Scheme 2023. Collection method: clinical testing. Allele origin: germline.